The following is an entry in ClinVar:

NM_017802.4(DNAAF5):c.1208G>A (p.Arg403Gln)

Gene: DNAAF5 (dynein axonemal assembly factor 5; plus strand). Cytogenetic location: 7p22.3.
Variant type: single nucleotide variant.
Coding change: c.1208G>A on transcript NM_017802.4 (MANE Select); coding-DNA position 1208, G replaced by A.
Protein change: p.Arg403Gln; replaces arginine 403 with glutamine.
Molecular consequence: missense variant. On other transcripts: non-coding transcript variant (1).
Genome position (GRCh38, 1-based): chr7:754,772, G>A. VCF-style: chr7-754772-G-A. GRCh37 (hg19) VCF-style: chr7-794409-G-A.
Other names: short protein forms R403Q.
Identifiers: ClinVar variation 454847 (VCV000454847.12), dbSNP rs149778130, ClinGen allele CA4110632.

ClinVar aggregate classification (germline): Uncertain significance. Review status: criteria provided, multiple submitters, no conflicts (2 of 4 stars). 4 submissions from 4 submitters: Uncertain significance (4). Last evaluated 2025-06-16.

Conditions:
Primary ciliary dyskinesia 18. Also called: CILIARY DYSKINESIA, PRIMARY, 18, WITH OR WITHOUT SITUS INVERSUS. Identifiers: Orphanet 244, MedGen C3543825, MONDO:0013940, OMIM 614874.
Primary ciliary dyskinesia. Also called: Ciliary dyskinesia. Identifiers: Orphanet 244, MedGen C0008780, MONDO:0016575, HP:0012265.

Allele frequency attached by ClinVar (database versions not stated): 1000 Genomes Project 0.00020; gnomAD exomes 0.00029 and 0.00055; ExAC 0.00030; 1000 Genomes Project 30x 0.00031; TOPMed 0.00038; gnomAD 0.00039 and 0.00040; ESP Exome Variant Server 0.00062.
gnomAD v4.1: 856 of 1,612,996 alleles (0.053%); highest among the groups gnomAD compares: Non-Finnish European, 0.066%; 1 homozygote.

Submissions (4):

ARUP Laboratories, Molecular Genetics and Genomics, ARUP Laboratories
Classification: Uncertain significance for Primary ciliary dyskinesia 18. Last evaluated: 2025-06-16. Review status: criteria provided, single submitter. Criteria: ARUP Molecular Germline Variant Investigation Process 2024. Collection method: clinical testing. Allele origin: germline.
Comment: The DNAAF5 c.1208G>A; p.Arg403Gln (rs149778130), to our knowledge, is not reported in the medical literature but is reported in ClinVar (Variation ID: 454847). This variant is found in the non-Finnish European population with an allele frequency of 0.052% (66/126976 alleles) in the Genome Aggregation Database (v2.1.1). Computational analyses are uncertain whether this variant is neutral or deleterious (REVEL: 0.197). Due to limited information, the clinical significance of this variant is uncertain at this time.

Labcorp Genetics (formerly Invitae), Labcorp
Classification: Uncertain significance for Primary ciliary dyskinesia. Last evaluated: 2023-11-17. Review status: criteria provided, single submitter. Criteria: Invitae Variant Classification Sherloc (09022015). Collection method: clinical testing. Allele origin: germline.
Comment: This sequence change replaces arginine, which is basic and polar, with glutamine, which is neutral and polar, at codon 403 of the DNAAF5 protein (p.Arg403Gln). This variant is present in population databases (rs149778130, gnomAD 0.06%). This variant has not been reported in the literature in individuals affected with DNAAF5-related conditions. ClinVar contains an entry for this variant (Variation ID: 454847). Advanced modeling of protein sequence and biophysical properties (such as structural, functional, and spatial information, amino acid conservation, physicochemical variation, residue mobility, and thermodynamic stability) performed at Invitae indicates that this missense variant is not expected to disrupt DNAAF5 protein function with a negative predictive value of 80%. In summary, the available evidence is currently insufficient to determine the role of this variant in disease. Therefore, it has been classified as a Variant of Uncertain Significance.

Ambry Genetics
Classification: Uncertain significance for Primary ciliary dyskinesia. Last evaluated: 2023-11-02. Review status: criteria provided, single submitter. Criteria: Ambry Variant Classification Scheme 2023. Collection method: clinical testing. Allele origin: germline.
Comment: The p.R403Q variant (also known as c.1208G>A), located in coding exon 5 of the DNAAF5 gene, results from a G to A substitution at nucleotide position 1208. The arginine at codon 403 is replaced by glutamine, an amino acid with highly similar properties. This amino acid position is not well conserved in available vertebrate species. In addition, this alteration is predicted to be tolerated by in silico analysis. Since supporting evidence is limited at this time, the clinical significance of this alteration remains unclear.

Fulgent Genetics
Classification: Uncertain significance for Primary ciliary dyskinesia 18. Last evaluated: 2021-07-11. Review status: criteria provided, single submitter. Criteria: ACMG Guidelines, 2015. Collection method: clinical testing. Allele origin: unknown.